The following is an entry in ClinVar:

NM_015340.4(LARS2):c.2582G>A (p.Arg861Gln)

Gene: LARS2 (leucyl-tRNA synthetase 2, mitochondrial; plus strand). Cytogenetic location: 3p21.31.
Variant type: single nucleotide variant.
Coding change: c.2582G>A on transcript NM_015340.4 (MANE Select); coding-DNA position 2582, G replaced by A.
Protein change: p.Arg861Gln; replaces arginine 861 with glutamine.
Molecular consequence: missense variant.
Genome position (GRCh38, 1-based): chr3:45,547,400, G>A. VCF-style: chr3-45547400-G-A. GRCh37 (hg19) VCF-style: chr3-45588892-G-A.
Other names: c.2582G>A, p.Arg861Gln (NM_001368263.1); c.2582G>A (NM_015340.3); short protein forms R861Q.
Identifiers: ClinVar variation 2176413 (VCV002176413.3), dbSNP rs145504843, ClinGen allele CA2349950.

ClinVar aggregate classification (germline): Conflicting classifications of pathogenicity. Review status: criteria provided, conflicting classifications (1 of 4 stars). 2 submissions from 2 submitters: Uncertain significance (1); Likely benign (1). Last evaluated 2025-04-04.

Conditions:
Inborn genetic diseases. Identifiers: MedGen C0950123, MeSH D030342.

Allele frequency attached by ClinVar (database versions not stated): ExAC 0.00002; gnomAD exomes 0.00003; ESP Exome Variant Server 0.00015; gnomAD 0.00003; TOPMed 0.00003.

Submissions (2):

Ambry Genetics
Classification: Likely benign for Inborn genetic diseases. Last evaluated: 2025-04-04. Review status: criteria provided, single submitter. Criteria: Ambry Variant Classification Scheme 2023. Collection method: clinical testing. Allele origin: germline.

Labcorp Genetics (formerly Invitae), Labcorp
Classification: Uncertain significance. Last evaluated: 2024-10-24. Review status: criteria provided, single submitter. Criteria: Invitae Variant Classification Sherloc (09022015). Collection method: clinical testing. Allele origin: germline.
Comment: This sequence change replaces arginine, which is basic and polar, with glutamine, which is neutral and polar, at codon 861 of the LARS2 protein (p.Arg861Gln). This variant is present in population databases (rs145504843, gnomAD 0.006%). This variant has not been reported in the literature in individuals affected with LARS2-related conditions. ClinVar contains an entry for this variant (Variation ID: 2176413). Invitae Evidence Modeling of protein sequence and biophysical properties (such as structural, functional, and spatial information, amino acid conservation, physicochemical variation, residue mobility, and thermodynamic stability) indicates that this missense variant is not expected to disrupt LARS2 protein function with a negative predictive value of 80%. In summary, the available evidence is currently insufficient to determine the role of this variant in disease. Therefore, it has been classified as a Variant of Uncertain Significance.